The following is an entry in ClinVar:

ClinVar aggregate classification (germline): Conflicting classifications of pathogenicity. Review status: criteria provided, conflicting classifications (1 of 4 stars). 14 submissions from 14 submitters: Uncertain significance (12); Benign (1). 1 of the submissions does not count toward it. Last evaluated 2026-08-13.

Conditions:
PMS2-related disorder. Also called: PMS2-related condition.
Hereditary cancer-predisposing syndrome. Also called: Tumor predisposition; Hereditary neoplastic syndrome; Neoplastic Syndromes, Hereditary; Hereditary Cancer Syndrome. Identifiers: Orphanet 140162, MedGen C0027672, MeSH D009386, MONDO:0015356.
Hereditary nonpolyposis colorectal neoplasms. Identifiers: MedGen C0009405, MeSH D003123.
Lynch syndrome. Identifiers: Orphanet 144, MedGen C4552100, MONDO:0005835. Disease mechanism: loss of function.
Lynch syndrome 4 (LYNCH4). Also called: Hereditary non-polyposis colorectal cancer, type 4; Colorectal cancer, hereditary nonpolyposis, type 4. Identifiers: Orphanet 144, MedGen C1838333, MONDO:0013699, OMIM 614337. Disease mechanism: loss of function.

Allele frequency attached by ClinVar (database versions not stated): gnomAD exomes 0.00001; TOPMed 0.00002; gnomAD 0.00003.
gnomAD v4.1: 23 of 1,578,978 alleles (0.0015%); highest among the groups gnomAD compares: Non-Finnish European, 0.0019%; no homozygotes.

Submissions (14):

PreventionGenetics, part of Exact Sciences
Classification: Uncertain significance for PMS2-related condition. Last evaluated: 2026-08-13. Review status: criteria provided, single submitter. Criteria: ACMG Guidelines, 2015. Collection method: clinical testing. Allele origin: germline.
Comment: The PMS2 c.917T>C variant is predicted to result in the amino acid substitution p.Val306Ala. This variant has been reported as uncertain in an individual with endometrial cancer (Supplementary Table 2, Ring et al. 2016. PubMed ID: 27443514) and in an individual with a colorectal cancer phenotype (P42 in Supplementary Table 4, Weren et al. 2015. PubMed ID: 25938944). This variant has also been reported as uncertain in an individual with breast cancer who was referred for BRCA1/2 gene testing using a 25 gene panel (Supporting Data, Tung et al. 2014. PubMed ID: 25186627). This variant is reported in 0.0018% of alleles in individuals of European (Non-Finnish) descent in gnomAD and has conflicting interpretations in ClinVar ranging from likely benign to uncertain (Variation ID: 185028). At this time, the clinical significance of this variant is uncertain due to the absence of conclusive functional and genetic evidence.

Labcorp Genetics (formerly Invitae), Labcorp
Classification: Benign for Hereditary nonpolyposis colorectal neoplasms. Last evaluated: 2026-02-03. Review status: criteria provided, single submitter. Criteria: Invitae Variant Classification Sherloc (09022015). Collection method: clinical testing. Allele origin: germline.

Genetic Services Laboratory, University of Chicago
Classification: Uncertain significance. Last evaluated: 2025-11-18. Review status: criteria provided, single submitter. Criteria: ACMG Guidelines, 2015. Collection method: clinical testing. Allele origin: germline.
Comment: The c.917T>C variant: Results in an amino acid change, p.Val306Ala. Has been previously described in individuals with with breast, colorectal, or endometrial cancer (PMID: 25186627, 25938944, 27443514). Is reported in the gnomAD v4 database with a frequency of 0.002% in the non-Finnish European subpopulation (dbSNP rs786201878). Affects a moderately conserved amino acid residue located in a domain of the PMS2 protein that is known to be functional. Appears to have contradictory results by in-silico pathogenicity prediction tools. ClinVar contains an entry for this variant (Variation ID: 185028) Due to insufficient evidence and the lack of functional studies, the clinical significance of the p.Val306Ala variant remains unknown at this time.

Ambry Genetics
Classification: Uncertain significance for Hereditary cancer-predisposing syndrome. Last evaluated: 2025-02-13. Review status: criteria provided, single submitter. Criteria: Ambry Variant Classification Scheme 2023. Collection method: clinical testing. Allele origin: germline.
Comment: The p.V306A variant (also known as c.917T>C), located in coding exon 9 of the PMS2 gene, results from a T to C substitution at nucleotide position 917. The valine at codon 306 is replaced by alanine, an amino acid with similar properties. This alteration has been previously detected in a cohort of 381 unselected endometrial cancer patients who underwent multi-gene panel testing (Ring KL et al. Mod Pathol, 2016 11;29:1381-1389). In a study of 51 individuals with multiple colonic adenomas from 48 families who underwent whole-exome sequencing, this variant was identified in one patient with 50 polyps (Weren RD et al. Nat Genet, 2015 Jun;47:668-71). This amino acid position is highly conserved in available vertebrate species. In addition, this alteration is predicted to be deleterious by in silico analysis. Based on the available evidence, the clinical significance of this variant remains unclear.

Color Diagnostics, LLC DBA Color Health
Classification: Uncertain significance for Hereditary cancer-predisposing syndrome. Last evaluated: 2025-01-14. Review status: criteria provided, single submitter. Criteria: ACMG Guidelines, 2015. Collection method: clinical testing. Allele origin: germline.
Comment: This missense variant replaces valine with alanine at codon 306 of the PMS2 protein. Computational prediction suggests that this variant may have deleterious impact on protein structure and function (internally defined REVEL score threshold >= 0.7, PMID: 27666373). To our knowledge, functional studies have not been reported for this variant. This variant has been reported in individuals affected with breast cancer (PMID: 25186627), endometrial cancer (PMID: 27443514) and colorectal cancer with microsatellite stability (PMID: 25938944). This variant has been identified in 23/1578978 chromosomes in the general population by the Genome Aggregation Database (gnomAD). The available evidence is insufficient to determine the role of this variant in disease conclusively. Therefore, this variant is classified as a Variant of Uncertain Significance.

GeneDx
Classification: Uncertain significance. Last evaluated: 2024-12-30. Review status: criteria provided, single submitter. Criteria: GeneDx Variant Classification Process June 2021. Collection method: clinical testing. Allele origin: germline. Affected: yes.
Comment: Not observed at significant frequency in large population cohorts (gnomAD); In silico analysis supports that this missense variant has a deleterious effect on protein structure/function; Observed in individuals with breast cancer, endometrial cancer, or polyps (PMID: 25186627, 25938944, 27443514); This variant is associated with the following publications: (PMID: 27443514, 28098136, 25186627, 25938944, 31883735, 11574484)

All of Us Research Program, National Institutes of Health
Classification: Uncertain significance for Lynch syndrome. Last evaluated: 2024-07-10. Review status: criteria provided, single submitter. Criteria: ACMG Guidelines, 2015. Collection method: clinical testing. Allele origin: germline. Inheritance: Autosomal dominant inheritance. Observed: 8 variant alleles, 8 heterozygotes.
Comment: This missense variant replaces valine with alanine at codon 306 of the PMS2 protein. Computational prediction suggests that this variant may have deleterious impact on protein structure and function (internally defined REVEL score threshold >= 0.7, PMID: 27666373). Splice site prediction tools suggest that this variant may not impact RNA splicing. To our knowledge, functional studies have not been reported for this variant. This variant has been reported in individuals affected with breast cancer (PMID: 25186627), endometrial cancer (PMID 27443514) and colorectal cancer with microsatellite stability (PMID: 25938944). This variant has been identified in 2/251190 chromosomes in the general population by the Genome Aggregation Database (gnomAD). The available evidence is insufficient to determine the role of this variant in disease conclusively. Therefore, this variant is classified as a Variant of Uncertain Significance.

This study involves interpretation of variants in research participants for the purpose of population health screening. Participant phenotype was not available at the time of variant classification. Additional details can be found in publication PMID: 35346344, PMCID: PMC8962531

Baylor Genetics
Classification: Uncertain significance for Lynch syndrome 4. Last evaluated: 2024-03-13. Review status: criteria provided, single submitter. Criteria: ACMG Guidelines, 2015. Collection method: clinical testing. Allele origin: unknown.

Myriad Genetics, Inc.
Classification: Uncertain significance for Lynch syndrome 4. Last evaluated: 2023-04-04. Review status: criteria provided, single submitter. Criteria: Myriad Autosomal Dominant, Autosomal Recessive and X-Linked Classification Criteria (2023). Collection method: clinical testing. Allele origin: unknown.
Comment: This variant is classified as a variant of uncertain significance as there is insufficient evidence to determine its impact on protein function and/or cancer risk.

ARUP Laboratories, Molecular Genetics and Genomics, ARUP Laboratories
Classification: Uncertain significance. Last evaluated: 2022-04-18. Review status: criteria provided, single submitter. Criteria: ARUP Molecular Germline Variant Investigation Process 2021. Collection method: clinical testing. Allele origin: germline.
Comment: The PMS2 c.917T>C; p.Val306Ala variant (rs786201878) has been reported in the literature in individuals with colorectal adenomas, breast, or endometrial cancer, but the variant was not determined to be causative (Ring 2016, Tung 2015, Weren 2015). This variant is reported in ClinVar (Variation ID: 185028) and is only observed on two alleles in the Genome Aggregation Database, indicating it is not a common polymorphism. The valine at codon 306 is highly conserved, and computational analyses predict that this variant is deleterious (REVEL: 0.824). Due to limited information, the clinical significance of the p.Val306Ala variant is uncertain at this time. References: Ring KL et al. Germline multi-gene hereditary cancer panel testing in an unselected endometrial cancer cohort. Mod Pathol. 2016 Nov;29(11):1381-1389. PMID: 27443514. Tung N et al. Frequency of mutations in individuals with breast cancer referred for BRCA1 and BRCA2 testing using next-generation sequencing with a 25-gene panel. Cancer. 2015 Jan 1;121(1):25-33. PMID: 25186627. Weren RD et al. A germline homozygous mutation in the base-excision repair gene NTHL1 causes adenomatous polyposis and colorectal cancer. Nat Genet. 2015 Jun;47(6):668-71. PMID: 25938944.

Mendelics
Classification: Uncertain significance for Lynch syndrome. Last evaluated: 2018-07-02. Review status: criteria provided, single submitter. Criteria: Mendelics Assertion Criteria 2017. Collection method: clinical testing. Allele origin: unknown.

Laboratory for Molecular Medicine, Mass General Brigham Personalized Medicine
Classification: Uncertain significance. Last evaluated: 2017-04-21. Review status: criteria provided, single submitter. Criteria: LMM Criteria. Collection method: clinical testing. Allele origin: germline. Observed: 1 variant allele.
Comment: The p.Val306Ala variant in PMS2 has been reported in 1 individual with endometri al cancer (Ring 2016), and has also been reported in ClinVar (Variation ID 18502 8). This variant was absent from large population studies. Computational predict ion tools and conservation analysis do not provide strong support for or against an impact to the protein. In summary, the clinical significance of the p.Val306 Ala variant is uncertain.

Women's Health and Genetics/Laboratory Corporation of America, LabCorp
Classification: Uncertain significance. Last evaluated: 2016-04-01. Review status: criteria provided, single submitter. Criteria: LabCorp Variant Classification Summary - May 2015. Collection method: clinical testing. Allele origin: germline.
Comment: Variant summary: The PMS2 c.917T>C variant affects a conserved nucleotide, resulting in amino acid change from Val to Ala. 4/4 in-silico tools predict damaging outcome for this variant (SNPs&GO not captured due to low reliability index). This variant was not found in 119904 control chromosomes. It has been cited in one patient that had polyps and a first degree relative with CRC or polyposis, but co-segregation was not determined (Weren_NG_2015). In addition, one clinical laboratory classified this variant as a VUS. Because of the absence of clinical information and the lack of functional studies, the variant was classified as a variant of uncertain significance (VUS) until additional information becomes available.

Counsyl
Classification: Uncertain significance for Lynch syndrome 4. Last evaluated: 2017-10-26. Review status: no assertion criteria provided. Collection method: clinical testing. Allele origin: unknown. Not counted in ClinVar's aggregate classification.

Literature cited by the submitters: PubMed 25186627 (cited by 4 submitters); PubMed 25938944 (cited by 4 submitters); PubMed 27443514 (cited by 4 submitters).

NM_000535.7(PMS2):c.917T>C (p.Val306Ala)

Gene: PMS2 (PMS1 homolog 2, mismatch repair system component; minus strand). Cytogenetic location: 7p22.1.
Variant type: single nucleotide variant.
Coding change: c.917T>C on transcript NM_000535.7 (MANE Select); coding-DNA position 917, T replaced by C.
Protein change: p.Val306Ala; replaces valine 306 with alanine.
Molecular consequence: missense variant. On other transcripts: 5 prime UTR variant (2), non-coding transcript variant (1).
Genome position (GRCh38, 1-based): chr7:5,992,044, A>G on the plus strand (T>C on the coding strand, the complement: PMS2 is on the minus strand). VCF-style: chr7-5992044-A-G. GRCh37 (hg19) VCF-style: chr7-6031675-A-G.
Other names: c.512T>C, p.Val171Ala (NM_001322003.2, NM_001322004.2, NM_001322005.2 and 2 more transcripts); c.917T>C, p.Val306Ala (NM_001322006.2, NM_001322014.2); c.599T>C, p.Val200Ala (NM_001322007.2, NM_001322008.2); c.-17T>C (NM_001322011.2, NM_001322012.2); c.344T>C, p.Val115Ala (NM_001322013.2); c.608T>C, p.Val203Ala (NM_001322015.2); short protein forms V306A, V171A, V203A, V115A, V200A.
Identifiers: ClinVar variation 185028 (VCV000185028.42), dbSNP rs786201878, ClinGen allele CA013256.